The following is an entry in ClinVar:

ClinVar aggregate classification (germline): Likely benign. Review status: criteria provided, multiple submitters, no conflicts (2 of 4 stars). 2 submissions from 2 submitters: Likely benign (2). Last evaluated 2024-01-26.

Allele frequency attached by ClinVar (database versions not stated): ExAC 0.00009; TOPMed 0.00012; gnomAD 0.00014; gnomAD exomes 0.00020.
gnomAD v4.1: 332 of 1,613,868 alleles (0.021%); highest among the groups gnomAD compares: Non-Finnish European, 0.025%; 2 homozygotes.

Submissions (2):

Labcorp Genetics (formerly Invitae), Labcorp
Classification: Likely benign. Last evaluated: 2024-01-26. Review status: criteria provided, single submitter. Criteria: Invitae Variant Classification Sherloc (09022015). Collection method: clinical testing. Allele origin: germline.

CeGaT Center for Human Genetics Tuebingen
Classification: Likely benign. Last evaluated: 2023-03-01. Review status: criteria provided, single submitter. Criteria: CeGaT Center For Human Genetics Tuebingen Variant Classification Criteria Version 2. Collection method: clinical testing. Allele origin: germline. Affected: yes. Observed: 1 variant allele.
Comment: FMN1: BP4, BP7

NM_001277313.2(FMN1):c.2044-1824G>A

Gene: FMN1 (formin 1; minus strand). Cytogenetic location: 15q13.3.
Variant type: single nucleotide variant.
Coding change: c.2044-1824G>A on transcript NM_001277313.2 (MANE Select); 1824 bases into the intron before coding-DNA position 2044, G replaced by A.
Molecular consequence: intron variant. On other transcripts: synonymous variant (1).
Genome position (GRCh38, 1-based): chr15:33,066,898, C>T on the plus strand (G>A on the coding strand, the complement: FMN1 is on the minus strand). VCF-style: chr15-33066898-C-T. GRCh37 (hg19) VCF-style: chr15-33359099-C-T.
Other names: c.987G>A, p.Glu329= (NM_001103184.4).
Identifiers: ClinVar variation 2645132 (VCV002645132.26), dbSNP rs755514714, ClinGen allele CA7457212.